The following is an entry in ClinVar:

ClinVar aggregate classification (germline): Uncertain significance. Review status: criteria provided, multiple submitters, no conflicts (2 of 4 stars). 2 submissions from 2 submitters: Uncertain significance (2). Last evaluated 2022-10-02.

Allele frequency attached by ClinVar (database versions not stated): gnomAD exomes below 0.00001.

Submissions (2):

Labcorp Genetics (formerly Invitae), Labcorp
Classification: Uncertain significance. Last evaluated: 2022-10-02. Review status: criteria provided, single submitter. Criteria: Invitae Variant Classification Sherloc (09022015). Collection method: clinical testing. Allele origin: germline.
Comment: This variant is not present in population databases (gnomAD no frequency). This sequence change replaces histidine, which is basic and polar, with tyrosine, which is neutral and polar, at codon 3 of the ARID1B protein (p.His3Tyr). This variant has not been reported in the literature in individuals affected with ARID1B-related conditions. Algorithms developed to predict the effect of missense changes on protein structure and function are either unavailable or do not agree on the potential impact of this missense change (SIFT: "Deleterious"; PolyPhen-2: "Not Available"; Align-GVGD: "Class C0"). In summary, the available evidence is currently insufficient to determine the role of this variant in disease. Therefore, it has been classified as a Variant of Uncertain Significance.

GeneDx
Classification: Uncertain significance. Last evaluated: 2022-04-25. Review status: criteria provided, single submitter. Criteria: GeneDx Variant Classification Process June 2021. Collection method: clinical testing. Allele origin: germline. Affected: yes.
Comment: Not observed at significant frequency in large population cohorts (gnomAD); In silico analysis supports that this missense variant does not alter protein structure/function; Has not been previously published as pathogenic or benign to our knowledge; This variant is associated with the following publications: (PMID: 29184203)

NM_001374828.1(ARID1B):c.256C>T (p.His86Tyr)

Genes: ARID1B (AT-rich interaction domain 1B; plus strand), LOC115308161 (uncharacterized LOC115308161; minus strand), LOC129997523 (ATAC-STARR-seq lymphoblastoid silent region 17710; plus strand). Cytogenetic location: 6q25.3.
Variant type: single nucleotide variant.
Coding change: c.256C>T on transcript NM_001374828.1 (MANE Select); coding-DNA position 256, C replaced by T.
Protein change: p.His86Tyr; replaces histidine 86 with tyrosine.
Molecular consequence: missense variant.
Genome position (GRCh38, 1-based): chr6:156,777,936, C>T. VCF-style: chr6-156777936-C-T. GRCh37 (hg19) VCF-style: chr6-157099070-C-T.
Other names: c.7C>T, p.His3Tyr (NM_001346813.1, NM_020732.3); c.256C>T, p.His86Tyr (NM_001371656.1, NM_001374820.1, NM_017519.3); short protein forms H3Y, H86Y.
Identifiers: ClinVar variation 1712785 (VCV001712785.6), dbSNP rs2114956714, ClinGen allele CA366380848.